The following is an entry in ClinVar:

NM_000256.3(MYBPC3):c.2273G>A (p.Gly758Asp)

Gene: MYBPC3 (myosin binding protein C3; minus strand). Cytogenetic location: 11p11.2.
Variant type: single nucleotide variant.
Coding change: c.2273G>A on transcript NM_000256.3 (MANE Select); coding-DNA position 2273, G replaced by A.
Protein change: p.Gly758Asp; replaces glycine 758 with aspartic acid.
Molecular consequence: missense variant.
Genome position (GRCh38, 1-based): chr11:47,338,555, C>T on the plus strand (G>A on the coding strand, the complement: MYBPC3 is on the minus strand). VCF-style: chr11-47338555-C-T. GRCh37 (hg19) VCF-style: chr11-47360106-C-T.
Other names: short protein forms G758D.
Identifiers: ClinVar variation 919287 (VCV000919287.23), dbSNP rs1163861044, ClinGen allele CA380320210.

ClinVar aggregate classification (germline): Conflicting classifications of pathogenicity. Review status: criteria provided, conflicting classifications (1 of 4 stars). 5 submissions from 5 submitters: Pathogenic (1); Likely pathogenic (3); Uncertain significance (1). Last evaluated 2026-01-09.

Conditions:
MYBPC3-related disorder. Also called: MYBPC3-related disorders; MYBPC3-related condition; MYBPC3-related disease.
Hypertrophic cardiomyopathy. Also called: HYPERTROPHIC MYOCARDIOPATHY. Identifiers: Orphanet 217569, MedGen C0007194, MeSH D002312, MONDO:0005045, HP:0001639.
Cardiomyopathy (CMYO). Also called: Cardiomyopathies. Identifiers: Orphanet 167848, MedGen C0878544, MONDO:0004994, HP:0001638. Inheritance: Various modes of inheritance.
Hypertrophic cardiomyopathy 4. Also called: Familial hypertrophic cardiomyopathy 4. Identifiers: MedGen C1861862, MONDO:0007268, OMIM 115197.

Allele frequency attached by ClinVar (database versions not stated): gnomAD exomes below 0.00001; gnomAD 0.00001.
gnomAD v4.1: 2 of 1,613,920 alleles (0.00012%); highest among the groups gnomAD compares: East Asian, 0.0045%; no homozygotes.

Submissions (5):

3billion
Classification: Likely pathogenic for Hypertrophic cardiomyopathy 4. Last evaluated: 2026-01-09. Review status: criteria provided, single submitter. Criteria: ACMG Guidelines, 2015. Collection method: clinical testing. Allele origin: germline. Affected: yes.
Comment: The variant is observed at an extremely low frequency in the gnomAD v4.1.0 dataset (total allele frequency: <0.001%). Predicted Consequence/Location: Missense variant In silico tool predictions suggest damaging effect of the variant on gene or gene product [REVEL: 0.92 (>=0.6, sensitivity 0.68 and specificity 0.92)]. The same nucleotide change resulting in the same amino acid change has been previously reported as pathogenic/likely pathogenic with strong evidence (ClinVar ID: VCV000919287 /PMID: 15563892 /3billion dataset). A different missense change at the same codon (p.Gly758Ser) has been reported to be associated with MYBPC3-related disorder (PMID: 32380161). Therefore, this variant is classified as Likely pathogenic according to the recommendation of ACMG/AMP guideline.

Labcorp Genetics (formerly Invitae), Labcorp
Classification: Pathogenic for Hypertrophic cardiomyopathy. Last evaluated: 2024-11-24. Review status: criteria provided, single submitter. Criteria: Invitae Variant Classification Sherloc (09022015). Collection method: clinical testing. Allele origin: germline.
Comment: This sequence change replaces glycine, which is neutral and non-polar, with aspartic acid, which is acidic and polar, at codon 758 of the MYBPC3 protein (p.Gly758Asp). This variant is present in population databases (no rsID available, gnomAD 0.06%). This missense change has been observed in individuals with clinical features of hypertrophic cardiomyopathy or left ventricular noncompaction (PMID: 15563892, 17386157, 21959974, 28855170, 32492895, 33830315; internal data). ClinVar contains an entry for this variant (Variation ID: 919287). An algorithm developed to predict the effect of missense changes on protein structure and function (PolyPhen-2) suggests that this variant is likely to be disruptive. This variant disrupts the p.Gly758 amino acid residue in MYBPC3. Other variant(s) that disrupt this residue have been observed in individuals with MYBPC3-related conditions (PMID: 32380161), which suggests that this may be a clinically significant amino acid residue. For these reasons, this variant has been classified as Pathogenic.

Color Diagnostics, LLC DBA Color Health
Classification: Uncertain significance for Cardiomyopathy. Last evaluated: 2023-10-31. Review status: criteria provided, single submitter. Criteria: ACMG Guidelines, 2015. Collection method: clinical testing. Allele origin: germline.
Comment: This missense variant replaces glycine with aspartic acid at codon 758 of the MYBPC3 protein. Computational prediction tool indicates that this variant may have a deleterious impact on protein structure and function. To our knowledge, functional studies have not been reported for this variant. This variant has been reported in several East Asian individuals affected with hypertrophic cardiomyopathy (PMID: 15563892, 17386157, 21959974, 32492895) and in one individual affected with left ventricular noncompaction (PMID: 28855170). This variant has been identified in 1/31396 chromosomes in the general population by the Genome Aggregation Database (gnomAD). The available evidence is insufficient to determine the role of this variant in disease conclusively. Therefore, this variant is classified as a Variant of Uncertain Significance.

Blueprint Genetics
Classification: Likely pathogenic for MYBPC3-related disorders. Last evaluated: 2023-03-02. Review status: criteria provided, single submitter. Criteria: ACMG Guidelines, 2015. Collection method: clinical testing. Allele origin: germline. Affected: yes. Observed: 1 variant allele.

Juno Genomics, Hangzhou Juno Genomics, Inc
Classification: Likely pathogenic for Hypertrophic cardiomyopathy 4. Review status: criteria provided, single submitter. Criteria: ACMG Guidelines, 2015. Collection method: clinical testing. Allele origin: germline.
Comment: Absent from controls (or at extremely low frequency if recessive) in Genome Aggregation Database.;The prevalence of the variant in affected individuals is significantly increased compared to the prevalence in controls.;Patient's phenotype or family history is highly specific for a disease with a single genetic etiology.;Multiple lines of computational evidence support a deleterious effect on the gene or gene product.

Literature cited by the submitters: PubMed 28855170 (cited by 3 submitters); PubMed 17386157 (cited by 3 submitters); PubMed 32380161 (cited by 3billion and Labcorp Genetics (formerly Invitae), Labcorp); PubMed 15563892 (cited by 3 submitters); PubMed 21959974 (cited by 3 submitters); PubMed 32492895 (cited by Labcorp Genetics (formerly Invitae), Labcorp and Color Diagnostics, LLC DBA Color Health); PubMed 33830315 (cited by Labcorp Genetics (formerly Invitae), Labcorp).